The following is an entry in ClinVar:

NM_001329943.3(KIAA0586):c.4111T>A (p.Ser1371Thr)

Gene: KIAA0586 (KIAA0586; plus strand). Cytogenetic location: 14q23.1.
Variant type: single nucleotide variant.
Coding change: c.4111T>A on transcript NM_001329943.3 (MANE Select); coding-DNA position 4111, T replaced by A.
Protein change: p.Ser1371Thr; replaces serine 1371 with threonine.
Molecular consequence: missense variant.
Genome position (GRCh38, 1-based): chr14:58,498,903, T>A. VCF-style: chr14-58498903-T-A. GRCh37 (hg19) VCF-style: chr14-58965621-T-A.
Other names: c.4270T>A, p.Ser1424Thr (NM_001244189.2); c.4066T>A, p.Ser1356Thr (NM_001244190.2); c.3856T>A, p.Ser1286Thr (NM_001244191.2, NM_001329945.2, NM_001364700.1 and 1 more transcripts); c.3979T>A, p.Ser1327Thr (NM_001244192.2, NM_001329947.2); c.3691T>A, p.Ser1231Thr (NM_001244193.2); c.4111T>A, p.Ser1371Thr (NM_001329944.2, NM_001329946.2); c.3883T>A, p.Ser1295Thr (NM_014749.5); short protein forms S1295T, S1231T, S1424T, S1286T, S1327T, S1356T, S1371T.
Identifiers: ClinVar variation 2038681 (VCV002038681.2), dbSNP rs2043352354, ClinGen allele CA389885687.

ClinVar aggregate classification (germline): Uncertain significance (1 of 4 stars; one submission).

Conditions:
Short-rib thoracic dysplasia 14 with polydactyly (SRTD14). Identifiers: Orphanet 397715, MedGen C4225286, MONDO:0014688, OMIM 616546.
Joubert syndrome 23 (JBTS23). Identifiers: Orphanet 475, MedGen C4084822, MONDO:0014664, OMIM 616490.

Allele frequency attached by ClinVar (database versions not stated): gnomAD exomes below 0.00001.
gnomAD v4.1: 4 of 1,612,054 alleles (0.00025%); highest among the groups gnomAD compares: African/African-American, 0.0013%; no homozygotes.

Submission:

Labcorp Genetics (formerly Invitae), Labcorp
Classification: Uncertain significance for Joubert syndrome 23; Short-rib thoracic dysplasia 14 with polydactyly. Last evaluated: 2022-03-09. Review status: criteria provided, single submitter. Criteria: Invitae Variant Classification Sherloc (09022015). Collection method: clinical testing. Allele origin: germline.
Comment: This sequence change replaces serine, which is neutral and polar, with threonine, which is neutral and polar, at codon 1424 of the KIAA0586 protein (p.Ser1424Thr). This variant is not present in population databases (gnomAD no frequency). In summary, the available evidence is currently insufficient to determine the role of this variant in disease. Therefore, it has been classified as a Variant of Uncertain Significance. Algorithms developed to predict the effect of missense changes on protein structure and function output the following: SIFT: "Tolerated"; PolyPhen-2: "Benign"; Align-GVGD: "Class C0". The threonine amino acid residue is found in multiple mammalian species, which suggests that this missense change does not adversely affect protein function. This variant has not been reported in the literature in individuals affected with KIAA0586-related conditions.